The following is an entry in ClinVar:

NM_170707.4(LMNA):c.1185G>A (p.Ser395=)

Gene: LMNA (lamin A/C; plus strand). Cytogenetic location: 1q22.
Variant type: single nucleotide variant.
Coding change: c.1185G>A on transcript NM_170707.4 (MANE Select); coding-DNA position 1185, G replaced by A.
Protein change: p.Ser395=; no amino-acid change (serine 395 retained).
Molecular consequence: synonymous variant.
Genome position (GRCh38, 1-based): chr1:156,136,241, G>A. VCF-style: chr1-156136241-G-A. GRCh37 (hg19) VCF-style: chr1-156106032-G-A.
Other names: c.849G>A, p.Ser283= (NM_001257374.3); c.942G>A, p.Ser314= (NM_001282624.2); c.1185G>A, p.Ser395= (NM_001282625.2, NM_001282626.2, NM_005572.4 and 1 more transcripts).
Identifiers: ClinVar variation 48033 (VCV000048033.19), dbSNP rs397517890, ClinGen allele CA016833.

ClinVar aggregate classification (germline): Conflicting classifications of pathogenicity. Review status: criteria provided, conflicting classifications (1 of 4 stars). 5 submissions from 5 submitters: Uncertain significance (1); Likely benign (4). Last evaluated 2025-12-29.

Conditions:
Charcot-Marie-Tooth disease type 2. Also called: Charcot-Marie-Tooth type 2. Identifiers: Orphanet 64746, MedGen C0270914, MONDO:0018993.
Cardiomyopathy (CMYO). Also called: Cardiomyopathies. Identifiers: Orphanet 167848, MedGen C0878544, MONDO:0004994, HP:0001638. Inheritance: Various modes of inheritance.

Allele frequency attached by ClinVar (database versions not stated): gnomAD exomes 0.00002 and 0.00003; TOPMed 0.00002; ExAC 0.00001; gnomAD 0.00002.
gnomAD v4.1: 44 of 1,611,892 alleles (0.0027%); highest among the groups gnomAD compares: East Asian, 0.013%; no homozygotes.

Submissions (5):

Labcorp Genetics (formerly Invitae), Labcorp
Classification: Likely benign for Charcot-Marie-Tooth disease type 2. Last evaluated: 2025-12-29. Review status: criteria provided, single submitter. Criteria: Invitae Variant Classification Sherloc (09022015). Collection method: clinical testing. Allele origin: germline.

Blueprint Genetics
Classification: Likely benign. Last evaluated: 2020-02-07. Review status: criteria provided, single submitter. Criteria: ACMG Guidelines, 2015. Collection method: clinical testing. Allele origin: germline.

Color Diagnostics, LLC DBA Color Health
Classification: Likely benign for Cardiomyopathy. Last evaluated: 2018-04-13. Review status: criteria provided, single submitter. Criteria: ACMG Guidelines, 2015. Collection method: clinical testing. Allele origin: germline.

Eurofins Ntd Llc (ga)
Classification: Uncertain significance. Last evaluated: 2015-09-15. Review status: criteria provided, single submitter. Criteria: EGL Classification Definitions 2015. Collection method: clinical testing. Allele origin: germline. Observed: 1 variant allele, 1 heterozygote.

Laboratory for Molecular Medicine, Mass General Brigham Personalized Medicine
Classification: Likely benign. Last evaluated: 2012-12-21. Review status: criteria provided, single submitter. Criteria: LMM Criteria. Collection method: clinical testing. Allele origin: germline. Observed: 1 variant allele.
Comment: Ser395Ser in exon 7 of LMNA: This variant is not expected to have clinical signi ficance because it does not alter an amino acid residue and is not located withi n the splice consensus sequence. Ser395Ser in exon 7 of LMNA (allele frequency = n/a)